The following is an entry in ClinVar:

ClinVar aggregate classification (germline): Uncertain significance (1 of 4 stars; one submission).

Submission:

Labcorp Genetics (formerly Invitae), Labcorp
Classification: Uncertain significance. Last evaluated: 2022-09-13. Review status: criteria provided, single submitter. Criteria: Invitae Variant Classification Sherloc (09022015). Collection method: clinical testing. Allele origin: germline.
Comment: In summary, the available evidence is currently insufficient to determine the role of this variant in disease. Therefore, it has been classified as a Variant of Uncertain Significance. Algorithms developed to predict the effect of missense changes on protein structure and function output the following: SIFT: "Tolerated"; PolyPhen-2: "Benign"; Align-GVGD: "Class C0". The proline amino acid residue is found in multiple mammalian species, which suggests that this missense change does not adversely affect protein function. This variant has not been reported in the literature in individuals affected with PLK4-related conditions. This variant is present in population databases (no rsID available, gnomAD 0.0009%). This sequence change replaces serine, which is neutral and polar, with proline, which is neutral and non-polar, at codon 389 of the PLK4 protein (p.Ser389Pro).

NM_014264.5(PLK4):c.1165T>C (p.Ser389Pro)

Gene: PLK4 (polo like kinase 4; plus strand). Cytogenetic location: 4q28.1.
Variant type: single nucleotide variant.
Coding change: c.1165T>C on transcript NM_014264.5 (MANE Select); coding-DNA position 1165, T replaced by C.
Protein change: p.Ser389Pro; replaces serine 389 with proline.
Molecular consequence: missense variant.
Genome position (GRCh38, 1-based): chr4:127,886,535, T>C. VCF-style: chr4-127886535-T-C. GRCh37 (hg19) VCF-style: chr4-128807690-T-C.
Other names: c.1069T>C, p.Ser357Pro (NM_001190799.2); c.1042T>C, p.Ser348Pro (NM_001190801.2); short protein forms S348P, S357P, S389P.
Identifiers: ClinVar variation 1994501 (VCV001994501.4), dbSNP rs1404195759, ClinGen allele CA358152682.